The following is an entry in ClinVar:

ClinVar aggregate classification (germline): Uncertain significance (1 of 4 stars; one submission).

Conditions:
RYR1-related disorder. Also called: RYR1-related disorders; RYR1-related condition. Identifiers: MedGen CN239331.

Submission:

Labcorp Genetics (formerly Invitae), Labcorp
Classification: Uncertain significance for RYR1-related disorder. Last evaluated: 2022-12-01. Review status: criteria provided, single submitter. Criteria: Invitae Variant Classification Sherloc (09022015). Collection method: clinical testing. Allele origin: unknown.
Comment: This variant has not been reported in the literature in individuals affected with RYR1-related conditions. This variant is a gross deletion of the genomic region encompassing exon(s) 51-53 of the RYR1 gene. This variant would be expected to be in-frame, preserving the integrity of the reading frame. Experimental studies and prediction algorithms are not available or were not evaluated, and the functional significance of this variant is currently unknown. In summary, the available evidence is currently insufficient to determine the role of this variant in disease. Therefore, it has been classified as a Variant of Uncertain Significance.

NC_000019.9:g.(?_38995368)_(38996058_?)del

Gene: RYR1 (ryanodine receptor 1; plus strand). Cytogenetic location: 19q13.2.
Variant type: Deletion.
Identifiers: ClinVar variation 3242615 (VCV003242615.1).